The following is an entry in ClinVar:

ClinVar aggregate classification (germline): Conflicting classifications of pathogenicity. Review status: criteria provided, conflicting classifications (1 of 4 stars). 12 submissions from 12 submitters: Pathogenic (7); Likely pathogenic (2); Uncertain significance (2). 1 of the submissions does not count toward it. Last evaluated 2026-01-24.

Conditions:
Hereditary cancer-predisposing syndrome. Also called: Neoplastic Syndromes, Hereditary; Hereditary Cancer Syndrome; Tumor predisposition; Hereditary neoplastic syndrome. Identifiers: Orphanet 140162, MedGen C0027672, MeSH D009386, MONDO:0015356.
Familial adenomatous polyposis 2. Also called: MUTYH-associated polyposis; MUTYH Polyposis; FAP type 2; Adenomas, multiple colorectal; COLORECTAL ADENOMATOUS POLYPOSIS, AUTOSOMAL RECESSIVE; ADENOMAS, MULTIPLE COLORECTAL, AUTOSOMAL RECESSIVE. Identifiers: Orphanet 220460, Orphanet 247798, MedGen C3272841, MONDO:0012041, OMIM 608456.

Allele frequency attached by ClinVar (database versions not stated): gnomAD exomes below 0.00001 and 0.00001; ExAC 0.00001; gnomAD 0.00001; TOPMed 0.00001.

Submissions (12):

Labcorp Genetics (formerly Invitae), Labcorp
Classification: Pathogenic for Familial adenomatous polyposis 2. Last evaluated: 2026-01-24. Review status: criteria provided, single submitter. Criteria: Invitae Variant Classification Sherloc (09022015). Collection method: clinical testing. Allele origin: germline.
Comment: This sequence change falls in intron 7 of the MUTYH gene. It does not directly change the encoded amino acid sequence of the MUTYH protein. RNA analysis indicates that this variant induces altered splicing and may result in an absent or altered protein product. This variant is present in population databases (rs758377868, gnomAD 0.003%). This variant has been observed in individual(s) with clinical features of MUTYH-associated polyposis (PMID: 10612827, 21520333, 32133419, 33011440; external communication, internal data). In at least one individual the data is consistent with being in trans (on the opposite chromosome) from a pathogenic variant. ClinVar contains an entry for this variant (Variation ID: 183746). Studies have shown that this variant results in activation of a cryptic splice site, and produces a non-functional protein and/or introduces a premature termination codon (PMID: 32133419, 33011440; internal data). For these reasons, this variant has been classified as Pathogenic.

Genomic Medicine Center of Excellence, King Faisal Specialist Hospital and Research Centre
Classification: Pathogenic for Familial adenomatous polyposis 2. Last evaluated: 2025-09-10. Review status: criteria provided, single submitter. Criteria: ACMG Guidelines, 2015. Collection method: clinical testing. Allele origin: germline.

Ambry Genetics
Classification: Pathogenic for Hereditary cancer-predisposing syndrome. Last evaluated: 2025-07-01. Review status: criteria provided, single submitter. Criteria: Ambry Variant Classification Scheme 2023. Collection method: clinical testing. Allele origin: germline.
Comment: The c.577-5A>G intronic pathogenic mutation results from an A to G substitution 5 nucleotides upstream from coding exon 8 in the MUTYH gene. This variant has been identified in conjunction with pathogenic MUTYH mutations in probands with adenomatous polyposis (Ambry internal data). This nucleotide position is well conserved in available vertebrate species. In silico splice site analysis predicts that this alteration will weaken the native splice acceptor site and may result in the creation or strengthening of a novel splice acceptor site. In a study involving RNA extraction for RT-PCR and Sanger sequencing of 10 hereditary cancer genes, incomplete disruption of the natural splice site was observed for this alteration (Rofes P et al. J Mol Diagn. 2020 12;22:1453-1468). RNA studies have demonstrated this alteration results in abnormal splicing in the set of samples tested (Ambry internal data). This variant is considered to be rare based on population cohorts in the Genome Aggregation Database (gnomAD). Based on the supporting evidence, this alteration is interpreted as a disease-causing mutation.

Mendelics
Classification: Likely pathogenic for Familial adenomatous polyposis 2. Last evaluated: 2025-02-05. Review status: criteria provided, single submitter. Criteria: Mendelics Assertion Criteria 2017. Collection method: clinical testing. Allele origin: unknown.
Comment: The c.493-5A>G (NM_001048174.2) intronic variant results from an A to G substitution 5 nucleotides upstream from coding exon 8 in the MUTYH gene. It has been previously reported in the homozygous state and/or compound heterozygous state in individuals with clinical characteristics of MUTYH-associated polyposis (PMID: 32133419, 33011440, 34704405). In silico analysis predicts that this alteration will weaken the native splice site. Functional RNA studies have shown that this variant causes abnormal splicing and results in an inclusion of 4bp (PMID: 32133419, 33011440). Therefore the available evidence suggests that this variant is likely to be pathogenic.

All of Us Research Program, National Institutes of Health
Classification: Pathogenic for Familial adenomatous polyposis 2. Last evaluated: 2024-07-29. Review status: criteria provided, single submitter. Criteria: ACMG Guidelines, 2015. Collection method: clinical testing. Allele origin: germline. Inheritance: Autosomal recessive inheritance. Observed: 3 variant alleles, 3 heterozygotes.
Comment: This variant causes an A to G nucleotide substitution at the -5 position of intron 7 of the MUTYH gene. Functional RNA studies have shown that this variant causes aberrant splicing and results in a partial retention of intron 7 (r.576_577ins577-4_577-1), which is predicted to cause a frameshift and premature protein truncation (PMID: 32133419, 33011440). This variant has been observed in the homozygous state and compound heterozygous state in multiple individuals affected with severe polyposis (PMID: 32133419, 33011440, 34704405). This variant has been identified in 1/251474 chromosomes in the general population by the Genome Aggregation Database (gnomAD). Based on the available evidence, this variant is classified as Pathogenic.

This study involves interpretation of variants in research participants for the purpose of population health screening. Participant phenotype was not available at the time of variant classification. Additional details can be found in publication PMID: 35346344, PMCID: PMC8962531

Color Diagnostics, LLC DBA Color Health
Classification: Pathogenic for Hereditary cancer-predisposing syndrome. Last evaluated: 2024-03-14. Review status: criteria provided, single submitter. Criteria: ACMG Guidelines, 2015. Collection method: clinical testing. Allele origin: germline.
Comment: This variant causes an A to G nucleotide substitution at the -5 position of intron 7 of the MUTYH gene. Functional RNA studies have shown that this variant causes aberrant splicing and results in partial retention of intron 7 (r.576_577ins577-4_577-1), which is predicted to cause a frameshift and premature protein truncation (PMID: 32133419, 33011440). This variant has been observed in the homozygous state and compound heterozygous state in multiple individuals affected with severe polyposis (PMID: 32133419, 33011440, 34704405). This variant has been identified in 1/251474 chromosomes in the general population by the Genome Aggregation Database (gnomAD). Based on the available evidence, this variant is classified as Pathogenic.

Baylor Genetics
Classification: Likely pathogenic for Familial adenomatous polyposis 2. Last evaluated: 2023-11-03. Review status: criteria provided, single submitter. Criteria: ACMG Guidelines, 2015. Collection method: clinical testing. Allele origin: unknown.

GeneDx
Classification: Pathogenic. Last evaluated: 2023-09-28. Review status: criteria provided, single submitter. Criteria: GeneDx Variant Classification Process June 2021. Collection method: clinical testing. Allele origin: germline. Affected: yes.
Comment: Published functional studies demonstrate aberrant splicing (Rofes et al., 2020; Landrith et al., 2020); Not observed at significant frequency in large population cohorts (gnomAD); In silico analysis supports a deleterious effect on splicing; This variant is associated with the following publications: (PMID: 33011440, 34704405, 35668106, 32133419)

Women's Health and Genetics/Laboratory Corporation of America, LabCorp
Classification: Pathogenic for Familial adenomatous polyposis 2. Last evaluated: 2021-07-26. Review status: criteria provided, single submitter. Criteria: LabCorp Variant Classification Summary - May 2015. Collection method: clinical testing. Allele origin: germline.
Comment: Variant summary: MUTYH c.577-5A>G alters a non-conserved nucleotide located close to a canonical splice site and therefore could affect mRNA splicing, leading to a significantly altered protein sequence. Several computational tools predict a significant impact on normal splicing: One predicts the variant abolishes a 3 acceptor site. Two predict the variant weakens a 3 acceptor site. Two predict the variant creates a 3 cryptic acceptor site. Additionally, at least two RNA studies report this variant causes aberrant splicing and shows the inclusion of the last four nucleotides of intron 7 [r.576_577ins(577-4_577-1)], which presumably would generate a truncated protein (p.Val165Serfs*61) (Landrith_2020, Rofes_2020). The variant allele was found at a frequency of 4e-06 in 252164 control chromosomes (gnomAD and publication data). c.577-5A>G has been reported in the literature in two individuals affected with severe polyposis and one homozygous individual with personal and family records of colorectal polyps (Landrith_2020, Rofes_2020). These data indicate that the variant is likely to be associated with disease. Six ClinVar submitters (evaluation after 2014) cite the variant as uncertain significance (n=3), likely pathogenic (n=2) and pathogenic (n=1). Based on the evidence outlined above, the variant was classified as pathogenic.

Department of Pathology and Laboratory Medicine, Sinai Health System
Classification: Uncertain significance for Familial adenomatous polyposis 2. Last evaluated: 2019-11-01. Review status: criteria provided, single submitter. Criteria: ACMG Guidelines, 2015. Collection method: clinical testing. Allele origin: germline. Affected: yes.

Eurofins Ntd Llc (ga)
Classification: Uncertain significance. Last evaluated: 2015-01-12. Review status: criteria provided, single submitter. Criteria: EGL Classification Definitions 2015. Collection method: clinical testing. Allele origin: germline. Observed: 1 variant allele, 1 heterozygote.

Counsyl
Classification: Uncertain significance for Familial adenomatous polyposis 2. Last evaluated: 2016-06-15. Review status: no assertion criteria provided. Collection method: clinical testing. Allele origin: unknown. Not counted in ClinVar's aggregate classification.

Literature cited by the submitters: PubMed 10612827 (cited by Labcorp Genetics (formerly Invitae), Labcorp); PubMed 21520333 (cited by Labcorp Genetics (formerly Invitae), Labcorp); PubMed 32133419 (cited by 4 submitters); PubMed 33011440 (cited by 5 submitters); PubMed 34704405 (cited by All of Us Research Program, National Institutes of Health and Color Diagnostics, LLC DBA Color Health).

NM_001048174.2(MUTYH):c.493-5A>G

Gene: MUTYH (mutY DNA glycosylase; minus strand). Cytogenetic location: 1p34.1.
Variant type: single nucleotide variant.
Coding change: c.493-5A>G on transcript NM_001048174.2 (MANE Select); 5 bases into the intron before coding-DNA position 493, A replaced by G.
Molecular consequence: intron variant.
Genome position (GRCh38, 1-based): chr1:45,332,692, T>C on the plus strand (A>G on the coding strand, the complement: MUTYH is on the minus strand). VCF-style: chr1-45332692-T-C. GRCh37 (hg19) VCF-style: chr1-45798364-T-C.
Other names: c.148-5A>G (NM_001350651.2, NM_001350650.2); c.217-5A>G (NM_001293192.2, NM_001293196.2); c.493-5A>G (NM_001048171.2, NM_001048173.2, NM_001293195.2); c.538-5A>G (NM_001293190.2); c.568-5A>G (NM_012222.3); c.577-5A>G (NM_001128425.2); c.496-5A>G (NM_001048172.2); c.526-5A>G (NM_001293191.2).
Identifiers: ClinVar variation 183746 (VCV000183746.41), dbSNP rs758377868, ClinGen allele CA013917.